The following is an entry in ClinVar:

NM_000257.4(MYH7):c.96C>A (p.Asp32Glu)

Gene: MYH7 (myosin heavy chain 7; minus strand). Cytogenetic location: 14q11.2.
Variant type: single nucleotide variant.
Coding change: c.96C>A on transcript NM_000257.4 (MANE Select); coding-DNA position 96, C replaced by A.
Protein change: p.Asp32Glu; replaces aspartic acid 32 with glutamic acid.
Molecular consequence: missense variant.
Genome position (GRCh38, 1-based): chr14:23,433,637, G>T on the plus strand (C>A on the coding strand, the complement: MYH7 is on the minus strand). VCF-style: chr14-23433637-G-T. GRCh37 (hg19) VCF-style: chr14-23902846-G-T.
Other names: c.96C>A, p.Asp32Glu (NM_001407004.1); short protein forms D32E.
Identifiers: ClinVar variation 4860595 (VCV004860595.1).

ClinVar aggregate classification (germline): Uncertain significance (1 of 4 stars; one submission).

Conditions:
Cardiovascular phenotype. Identifiers: MedGen CN230736.

Submission:

Ambry Genetics
Classification: Uncertain significance for Cardiovascular phenotype. Last evaluated: 2026-06-01. Review status: criteria provided, single submitter. Criteria: Ambry Variant Classification Scheme 2023. Collection method: clinical testing. Allele origin: germline.
Comment: The p.D32E variant (also known as c.96C>A), located in coding exon 1 of the MYH7 gene, results from a C to A substitution at nucleotide position 96. The aspartic acid at codon 32 is replaced by glutamic acid, an amino acid with highly similar properties. This amino acid position is conserved. In addition, the in silico prediction for this alteration is inconclusive. Based on the available evidence, the clinical significance of this variant remains unclear.